The following is an entry in ClinVar:

ClinVar aggregate classification (germline): Uncertain significance (1 of 4 stars; one submission).

Conditions:
Inborn genetic diseases. Identifiers: MedGen C0950123, MeSH D030342.

Allele frequency attached by ClinVar (database versions not stated): gnomAD exomes below 0.00001.
gnomAD v4.1: 2 of 1,614,180 alleles (0.00012%); highest among the groups gnomAD compares: Non-Finnish European, 0.00017%; no homozygotes.

Submission:

Ambry Genetics
Classification: Uncertain significance for Inborn genetic diseases. Last evaluated: 2023-11-11. Review status: criteria provided, single submitter. Criteria: Ambry Variant Classification Scheme 2023. Collection method: clinical testing. Allele origin: germline.
Comment: The p.V916A variant (also known as c.2747T>C), located in coding exon 21 of the BUB1B gene, results from a T to C substitution at nucleotide position 2747. The valine at codon 916 is replaced by alanine, an amino acid with similar properties. This amino acid position is conserved. In addition, this alteration is predicted to be tolerated by in silico analysis. Since supporting evidence is limited at this time, the clinical significance of this alteration remains unclear.

NM_001211.6(BUB1B):c.2747T>C (p.Val916Ala)

Genes: BUB1B (BUB1 mitotic checkpoint serine/threonine kinase B; plus strand), BUB1B-PAK6 (BUB1B-PAK6 readthrough; plus strand). Cytogenetic location: 15q15.1.
Variant type: single nucleotide variant.
Coding change: c.2747T>C on transcript NM_001211.6 (MANE Select); coding-DNA position 2747, T replaced by C.
Protein change: p.Val916Ala; replaces valine 916 with alanine.
Molecular consequence: missense variant. On other transcripts: 5 prime UTR variant (2).
Genome position (GRCh38, 1-based): chr15:40,217,564, T>C. VCF-style: chr15-40217564-T-C. GRCh37 (hg19) VCF-style: chr15-40509765-T-C.
Other names: c.-304T>C (NM_001128628.3); c.-221T>C (NM_001128629.3); short protein forms V916A.
Identifiers: ClinVar variation 1795499 (VCV001795499.2), dbSNP rs2542584751, ClinGen allele CA391687796.
Genomic context (GRCh38, chr15:40,217,564, plus strand): 5'-ATCCCTATGATTGTAACAAGAACAATCAAGCTTTGAAGATAGTGGACTTTTCCTACAGTG[T>C]TGACCTTAGGGTGCAGCTGGATGTTTTTACCCTCAGCGGCTTTCGGACTGTACAGATCCT-3'
Protein context (NP_001202.5, residues 906-926): ALKIVDFSYS[Val916Ala]DLRVQLDVFT